The following is an entry in ClinVar:

ClinVar aggregate classification (germline): Uncertain significance. Review status: reviewed by expert panel (3 of 4 stars). 3 submissions from 3 submitters: Uncertain significance (1). 2 of the submissions do not count toward it. Last evaluated 2024-09-30.

Conditions:
Inborn genetic diseases. Identifiers: MedGen C0950123, MeSH D030342.
Hereditary thrombocytopenia and hematologic cancer predisposition syndrome. Identifiers: Orphanet 71290, MedGen CN281654, MONDO:0011071.
Hereditary thrombocytopenia and hematological cancer predisposition syndrome associated with RUNX1. Also called: PLATELET DISORDER, ASPIRIN-LIKE; Familial Platelet Disorder with Propensity to Acute Myelogenous Leukemia; Familial thrombocytopenia with propensity to acute myelogenous leukemia; RUNX1 Familial Platelet Disorder with Associated Myeloid Malignancies. Identifiers: Orphanet 71290, MedGen C1832388, MeSH C563324, MONDO:0100083, OMIM 601399.

Allele frequency attached by ClinVar (database versions not stated): gnomAD exomes 0.00001.

Submissions (3):

ClinGen Myeloid Malignancy Variant Curation Expert Panel
Classification: Uncertain significance for Hereditary thrombocytopenia and hematologic cancer predisposition syndrome. Last evaluated: 2024-09-30. Review status: reviewed by expert panel. Criteria: ClinGen MyeloMalig ACMG Specifications v2. Collection method: curation. Allele origin: germline. Inheritance: Autosomal dominant inheritance.
Comment: NM_001754.5(RUNX1):c.1340C>T (p.Pro447Leu) is a missense variant which has a REVEL score < 0.50 (0.221), and a SpliceAI score ≤ 0.20 (0.0) (BP4). This variant is completely absent from all population databases with at least 20x coverage for RUNX1 (PM2_Supporting). In summary, the clinical significance of this variant is uncertain. ACMG/AMP criteria applied, as specified by the Myeloid Malignancy Variant Curation Expert Panel for RUNX1: BP4, PM2_supporting

Ambry Genetics
Classification: Uncertain significance for Inborn genetic diseases. Last evaluated: 2026-07-06. Review status: criteria provided, single submitter. Criteria: Ambry Variant Classification Scheme 2023. Collection method: clinical testing. Allele origin: germline. Not counted in ClinVar's aggregate classification.
Comment: The p.P447L variant (also known as c.1340C>T), located in coding exon 8 of the RUNX1 gene, results from a C to T substitution at nucleotide position 1340. The proline at codon 447 is replaced by leucine, an amino acid with similar properties. This amino acid position is conserved. In addition, this alteration is predicted to be tolerated by in silico analysis. Based on the available evidence, the clinical significance of this variant remains unclear.

Labcorp Genetics (formerly Invitae), Labcorp
Classification: Uncertain significance for Hereditary thrombocytopenia and hematological cancer predisposition syndrome associated with RUNX1. Last evaluated: 2019-12-16. Review status: criteria provided, single submitter. Criteria: Invitae Variant Classification Sherloc (09022015). Collection method: clinical testing. Allele origin: germline. Not counted in ClinVar's aggregate classification.
Comment: This sequence change replaces proline with leucine at codon 447 of the RUNX1 protein (p.Pro447Leu). The proline residue is moderately conserved and there is a moderate physicochemical difference between proline and leucine. The frequency data for this variant in the population databases is considered unreliable, as metrics indicate insufficient coverage at this position in the ExAC database. This variant has not been reported in the literature in individuals with RUNX1-related conditions. Algorithms developed to predict the effect of missense changes on protein structure and function are either unavailable or do not agree on the potential impact of this missense change (SIFT: "Tolerated"; PolyPhen-2: "Probably Damaging"; Align-GVGD: "Class C0"). In summary, the available evidence is currently insufficient to determine the role of this variant in disease. Therefore, it has been classified as a Variant of Uncertain Significance.

NM_001754.5(RUNX1):c.1340C>T (p.Pro447Leu)

Gene: RUNX1 (RUNX family transcription factor 1; minus strand). Cytogenetic location: 21q22.12.
Variant type: single nucleotide variant.
Coding change: c.1340C>T on transcript NM_001754.5 (MANE Select); coding-DNA position 1340, C replaced by T.
Protein change: p.Pro447Leu; replaces proline 447 with leucine.
Molecular consequence: missense variant.
Genome position (GRCh38, 1-based): chr21:34,792,238, G>A on the plus strand (C>T on the coding strand, the complement: RUNX1 is on the minus strand). VCF-style: chr21-34792238-G-A. GRCh37 (hg19) VCF-style: chr21-36164535-G-A.
Other names: NM_001754.5(RUNX1):c.1340C>T; p.Pro447Leu; c.1259C>T, p.Pro420Leu (NM_001001890.3); short protein forms P420L, P447L.
Identifiers: ClinVar variation 848735 (VCV000848735.12), dbSNP rs1399289174, ClinGen allele CA410147256.